The following is an entry in ClinVar:

NM_001199397.3(NEK1):c.1067G>A (p.Arg356Lys)

Gene: NEK1 (NIMA related kinase 1; minus strand). Cytogenetic location: 4q33.
Variant type: single nucleotide variant.
Coding change: c.1067G>A on transcript NM_001199397.3 (MANE Select); coding-DNA position 1067, G replaced by A.
Protein change: p.Arg356Lys; replaces arginine 356 with lysine.
Molecular consequence: missense variant. On other transcripts: non-coding transcript variant (2).
Genome position (GRCh38, 1-based): chr4:169,562,150, C>T on the plus strand (G>A on the coding strand, the complement: NEK1 is on the minus strand). VCF-style: chr4-169562150-C-T. GRCh37 (hg19) VCF-style: chr4-170483301-C-T.
Other names: c.1067G>A, p.Arg356Lys (NM_001199398.3, NM_001199399.3, NM_001199400.3 and 7 more transcripts); short protein forms R356K.
Identifiers: ClinVar variation 3918710 (VCV003918710.2).
Genomic context (GRCh38, chr4:169,562,150, plus strand): 5'-AATTATGTTTGCAAAGCTTTAAAATAACCAGACAGATGTCTTTATACCTCAGATATTTTC[C>T]TCCTTTCTTCTCCAGTATTCACTCTCTTCTCTGGAGTTTGATGGGCCTGGACAAAAAGTA-3'
Protein context (NP_001186326.1, residues 346-366): EKRVNTGEER[Arg356Lys]KISEEAARKR

ClinVar aggregate classification (germline): Uncertain significance. Review status: criteria provided, multiple submitters, no conflicts (2 of 4 stars). 2 submissions from 2 submitters: Uncertain significance (2). Last evaluated 2025-11-14.

Conditions:
Inborn genetic diseases. Identifiers: MedGen C0950123, MeSH D030342.
NEK1-related disorder. Also called: NEK1-related condition.

gnomAD v4.1: 51 of 1,542,472 alleles (0.0033%); highest among the groups gnomAD compares: Non-Finnish European, 0.0043%; no homozygotes.

Submissions (2):

PreventionGenetics, part of Exact Sciences
Classification: Uncertain significance for NEK1-related condition. Last evaluated: 2025-11-14. Review status: criteria provided, single submitter. Criteria: ACMG Guidelines, 2015. Collection method: clinical testing. Allele origin: germline.
Comment: The NEK1 c.1067G>A variant is predicted to result in the amino acid substitution p.Arg356Lys. To our knowledge, this variant has not been reported in the literature or in a large population database, indicating this variant is rare. At this time, the clinical significance of this variant is uncertain due to the absence of conclusive functional and genetic evidence.

Ambry Genetics
Classification: Uncertain significance for Inborn genetic diseases. Last evaluated: 2025-04-10. Review status: criteria provided, single submitter. Criteria: Ambry Variant Classification Scheme 2023. Collection method: clinical testing. Allele origin: germline.